The following is an entry in ClinVar:

NM_000379.4(XDH):c.3711del (p.Ile1238fs)

Gene: XDH (xanthine dehydrogenase; minus strand). Cytogenetic location: 2p23.1.
Variant type: Deletion.
Coding change: c.3711del on transcript NM_000379.4 (MANE Select); coding-DNA position 3711, one base deleted (C; older notation c.3711delC).
Protein change: p.Ile1238fs; shifts the reading frame from isoleucine 1238.
Molecular consequence: frameshift variant.
Genome position (GRCh38, 1-based): chr2:31,339,552, G deleted on the plus strand (C on the coding strand, the reverse complement: XDH is on the minus strand); the first of 4 consecutive G bases (chr2:31,339,552-31,339,555); deleting any one gives the same sequence. VCF-style (leftmost placement, unchanged base first): chr2-31339551-TG-T. GRCh37 (hg19) VCF-style: chr2-31562417-TG-T.
Other names: short protein forms I1238fs.
Identifiers: ClinVar variation 2015541 (VCV002015541.4), dbSNP rs2465297906, ClinGen allele CA2580066360.
Genomic context (GRCh38, chr2:31,339,551, plus strand): 5'-TCGATGCATAGATGGCCTTCTTGTTGGGGCAGTCGCGGAGCAGGGACACCCTGAACTCAA[TG>T]GGGATGCTGCCAAATGCCGGGATCTTGTAGGTGCTAGGGCCACGGGTGTGCAGGCTCCCC-3'

ClinVar aggregate classification (germline): Pathogenic (1 of 4 stars; one submission).

Conditions:
Xanthinuria type II. Also called: Xanthine dehydrogenase and aldehyde oxidase combined deficiency of; XDH and AOX dual deficiency. Identifiers: Orphanet 3467, Orphanet 93602, MedGen C1863688, MONDO:0011346, OMIM 603592.

Submission:

Labcorp Genetics (formerly Invitae), Labcorp
Classification: Pathogenic for Xanthinuria type II. Last evaluated: 2024-01-24. Review status: criteria provided, single submitter. Criteria: Invitae Variant Classification Sherloc (09022015). Collection method: clinical testing. Allele origin: germline.
Comment: This sequence change creates a premature translational stop signal (p.Ile1238Leufs*54) in the XDH gene. It is expected to result in an absent or disrupted protein product. Loss-of-function variants in XDH are known to be pathogenic (PMID: 9153281). This variant is not present in population databases (gnomAD no frequency). This variant has not been reported in the literature in individuals affected with XDH-related conditions. ClinVar contains an entry for this variant (Variation ID: 2015541). For these reasons, this variant has been classified as Pathogenic.

Literature cited by the submitters: PubMed 9153281.